The following is an entry in ClinVar:

NM_000048.4(ASL):c.1143+1del

Gene: ASL (argininosuccinate lyase; plus strand). Cytogenetic location: 7q11.21.
Variant type: Deletion.
Coding change: c.1143+1del on transcript NM_000048.4 (MANE Select); the canonical splice donor site of the intron after coding-DNA position 1143, one base deleted (G; older notation c.1143+1delG).
Molecular consequence: splice donor variant.
Genome position (GRCh38, 1-based): chr7:66,092,087, G deleted; the last of 4 consecutive G bases (chr7:66,092,084-66,092,087); deleting any one gives the same sequence. VCF-style (leftmost placement, unchanged base first): chr7-66092083-AG-A. GRCh37 (hg19) VCF-style: chr7-65557070-AG-A.
Other names: c.1143+1del (NM_001024943.2, NM_000048.3); c.1083+1del (NM_001024944.2); c.1065+1del (NM_001024946.2).
Identifiers: ClinVar variation 3064938 (VCV003064938.2), dbSNP rs2485028623, ClinGen allele CA455451793.
Genomic context (GRCh38, chr7:66,092,083, plus strand): 5'-GGGACAGGCTCTCAGCCCCGACATGCTGGCCACTGACCTTGCCTATTACCTGGTCCGCAA[AG>A]GGGTAAGTGTGTAGCAGCCAGGGGGAGGGTGAGGAGATGGGGTGCCCCCCCCAGAGGGTG-3'

ClinVar aggregate classification (germline): Likely pathogenic. Review status: criteria provided, multiple submitters, no conflicts (2 of 4 stars). 2 submissions from 2 submitters: Likely pathogenic (2). Last evaluated 2024-07-12.

Conditions:
Argininosuccinate lyase deficiency. Also called: Argininosuccinic aciduria; ASL DEFICIENCY; ARGININOSUCCINIC ACID LYASE DEFICIENCY. Identifiers: Orphanet 23, MedGen C0268547, MONDO:0008815, OMIM 207900, HP:0025630.

Submissions (2):

Natera, Inc.
Classification: Likely pathogenic for Argininosuccinate lyase deficiency. Last evaluated: 2024-07-12. Review status: criteria provided, single submitter. Criteria: Natera Variant Classification Schema (03/2026). Collection method: clinical testing. Allele origin: germline.
Comment: The c.1143+1del variant in ASL is a canonical splice donor site variant predicted to affect pre-mRNA splicing, which may result in an abnormal transcript and altered protein product. This variant is expected to result in nonsense mediated decay, truncation, or a dysfunctional protein product. This variant is rare in the general population with a frequency below the threshold expected for the associated phenotype(s). Given the available evidence, this variant is classified as Likely Pathogenic.

Genomic Medicine Center of Excellence, King Faisal Specialist Hospital and Research Centre
Classification: Likely pathogenic for Argininosuccinate lyase deficiency. Last evaluated: 2024-03-25. Review status: criteria provided, single submitter. Criteria: ACMG Guidelines, 2015. Collection method: clinical testing. Allele origin: germline.